The following is an entry in ClinVar:

NM_000243.3(MEFV):c.1577A>G (p.Glu526Gly)

Gene: MEFV (MEFV innate immunity regulator, pyrin; minus strand). Cytogenetic location: 16p13.3.
Variant type: single nucleotide variant.
Coding change: c.1577A>G on transcript NM_000243.3 (MANE Select); coding-DNA position 1577, A replaced by G.
Protein change: p.Glu526Gly; replaces glutamic acid 526 with glycine.
Molecular consequence: missense variant.
Genome position (GRCh38, 1-based): chr16:3,247,026, T>C on the plus strand (A>G on the coding strand, the complement: MEFV is on the minus strand). VCF-style: chr16-3247026-T-C. GRCh37 (hg19) VCF-style: chr16-3297026-T-C.
Other names: c.944A>G, p.Glu315Gly (NM_001198536.2); short protein forms E526G, E315G.
Identifiers: ClinVar variation 1041790 (VCV001041790.6), dbSNP rs772349671, ClinGen allele CA7860102.

ClinVar aggregate classification (germline): Uncertain significance (1 of 4 stars; one submission).

Conditions:
Familial Mediterranean fever (FMF). Also called: POLYSEROSITIS, FAMILIAL PAROXYSMAL; POLYSEROSITIS, RECURRENT; Periodic peritonitis; Benign paroxysmal peritonitis. Identifiers: Orphanet 342, MedGen C0031069, MONDO:0018088, OMIM 249100. Disease mechanism: gain of function.

Allele frequency attached by ClinVar (database versions not stated): gnomAD exomes below 0.00001 and 0.00001; TOPMed below 0.00001; ExAC 0.00001; gnomAD 0.00001.
gnomAD v4.1: 16 of 1,614,016 alleles (0.00099%); highest among the groups gnomAD compares: African/African-American, 0.0013%; no homozygotes.

Submission:

Labcorp Genetics (formerly Invitae), Labcorp
Classification: Uncertain significance for Familial Mediterranean fever. Last evaluated: 2021-08-28. Review status: criteria provided, single submitter. Criteria: Invitae Variant Classification Sherloc (09022015). Collection method: clinical testing. Allele origin: germline.
Comment: This sequence change replaces glutamic acid with glycine at codon 526 of the MEFV protein (p.Glu526Gly). The glutamic acid residue is weakly conserved and there is a moderate physicochemical difference between glutamic acid and glycine. This variant is present in population databases (rs772349671, ExAC 0.002%). This variant has not been reported in the literature in individuals affected with MEFV-related conditions. Algorithms developed to predict the effect of missense changes on protein structure and function output the following: SIFT: "Tolerated"; PolyPhen-2: "Benign"; Align-GVGD: "Class C0". The glycine amino acid residue is found in multiple mammalian species, which suggests that this missense change does not adversely affect protein function. In summary, the available evidence is currently insufficient to determine the role of this variant in disease. Therefore, it has been classified as a Variant of Uncertain Significance.